The following is an entry in ClinVar:

NM_000059.4(BRCA2):c.1006G>A (p.Ala336Thr)

Gene: BRCA2 (BRCA2 DNA repair associated; plus strand). Cytogenetic location: 13q13.1.
Variant type: single nucleotide variant.
Coding change: c.1006G>A on transcript NM_000059.4 (MANE Select); coding-DNA position 1006, G replaced by A.
Protein change: p.Ala336Thr; replaces alanine 336 with threonine.
Molecular consequence: missense variant.
Genome position (GRCh38, 1-based): chr13:32,332,484, G>A. VCF-style: chr13-32332484-G-A. GRCh37 (hg19) VCF-style: chr13-32906621-G-A.
Other names: short protein forms A336T.
Identifiers: ClinVar variation 141906 (VCV000141906.26), dbSNP rs587782100, ClinGen allele CA010131.

ClinVar aggregate classification (germline): Conflicting classifications of pathogenicity. Review status: criteria provided, conflicting classifications (1 of 4 stars). 8 submissions from 8 submitters: Uncertain significance (4); Likely benign (2). 2 of the submissions do not count toward it. Last evaluated 2023-03-23.

Conditions:
Hereditary cancer-predisposing syndrome. Also called: Neoplastic Syndromes, Hereditary; Hereditary Cancer Syndrome; Hereditary neoplastic syndrome; Tumor predisposition. Identifiers: Orphanet 140162, MedGen C0027672, MeSH D009386, MONDO:0015356.
Hereditary breast ovarian cancer syndrome. Also called: Hereditary breast and ovarian cancer syndrome; Hereditary breast and/or ovarian cancer syndrome; BRCA1- and BRCA2-Associated Hereditary Breast and Ovarian Cancer; Hereditary breast and ovarian cancer; Breast and ovarian cancer; Hereditary breast and ovarian cancer syndrome (HBOC). Identifiers: Orphanet 145, MedGen C0677776, MeSH D061325, MONDO:0003582. Disease mechanism: loss of function.
Breast-ovarian cancer, familial, susceptibility to, 2 (BROVCA2). Also called: BRCA2 Hereditary Breast and Ovarian Cancer. Identifiers: Orphanet 145, MedGen C2675520, MONDO:0012933, OMIM 612555. Disease mechanism: loss of function.

Allele frequency attached by ClinVar (database versions not stated): gnomAD exomes below 0.00001 and 0.00001; gnomAD 0.00001; ExAC 0.00002.
gnomAD v4.1: 5 of 1,605,254 alleles (0.00031%); highest among the groups gnomAD compares: African/African-American, 0.0013%; no homozygotes.

Submissions (8):

University of Washington Department of Laboratory Medicine, University of Washington
Classification: Likely benign for Hereditary cancer-predisposing syndrome. Last evaluated: 2023-03-23. Review status: criteria provided, single submitter. Criteria: Dines et al. (Genet Med. 2020). Collection method: curation. Allele origin: germline.
Comment: Missense variant in a coldspot region where missense variants are very unlikely to be pathogenic (PMID:31911673).

BRCA2 exon 10 coldspot. Reclassification based on statistical prior probability.

Ambry Genetics
Classification: Likely benign for Hereditary cancer-predisposing syndrome. Last evaluated: 2023-02-06. Review status: criteria provided, single submitter. Criteria: Ambry Variant Classification Scheme 2023. Collection method: clinical testing. Allele origin: germline.

Labcorp Genetics (formerly Invitae), Labcorp
Classification: Uncertain significance for Hereditary breast ovarian cancer syndrome. Last evaluated: 2022-11-18. Review status: criteria provided, single submitter. Criteria: Invitae Variant Classification Sherloc (09022015). Collection method: clinical testing. Allele origin: germline.
Comment: This variant has not been reported in the literature in individuals affected with BRCA2-related conditions. This variant is present in population databases (rs587782100, gnomAD 0.002%). This sequence change replaces alanine, which is neutral and non-polar, with threonine, which is neutral and polar, at codon 336 of the BRCA2 protein (p.Ala336Thr). ClinVar contains an entry for this variant (Variation ID: 141906). In summary, the available evidence is currently insufficient to determine the role of this variant in disease. Therefore, it has been classified as a Variant of Uncertain Significance. Advanced modeling of protein sequence and biophysical properties (such as structural, functional, and spatial information, amino acid conservation, physicochemical variation, residue mobility, and thermodynamic stability) performed at Invitae indicates that this missense variant is not expected to disrupt BRCA2 protein function.

GeneDx
Classification: Uncertain significance. Last evaluated: 2021-08-11. Review status: criteria provided, single submitter. Criteria: GeneDx Variant Classification Process June 2021. Collection method: clinical testing. Allele origin: germline. Affected: yes.
Comment: Not observed at significant frequency in large population cohorts (Lek 2016); In silico analysis supports that this missense variant does not alter protein structure/function; Has not been previously published as pathogenic or benign to our knowledge; Also known as 1234G>A; This variant is associated with the following publications: (PMID: 31131967)

Quest Diagnostics Nichols Institute San Juan Capistrano
Classification: Uncertain significance. Last evaluated: 2020-09-29. Review status: criteria provided, single submitter. Criteria: Quest Diagnostics criteria. Collection method: clinical testing. Allele origin: unknown.

Color Diagnostics, LLC DBA Color Health
Classification: Uncertain significance for Hereditary cancer-predisposing syndrome. Last evaluated: 2019-05-31. Review status: criteria provided, single submitter. Criteria: ACMG Guidelines, 2015. Collection method: clinical testing. Allele origin: germline.

BRCAlab, Lund University
Classification: Uncertain significance for Breast-ovarian cancer, familial, susceptibility to, 2. Last evaluated: 2020-03-02. Review status: no assertion criteria provided. Collection method: clinical testing. Allele origin: germline. Affected: yes. Not counted in ClinVar's aggregate classification.

Counsyl
Classification: Uncertain significance for Breast-ovarian cancer, familial, susceptibility to, 2. Last evaluated: 2016-02-10. Review status: no assertion criteria provided. Collection method: clinical testing. Allele origin: unknown. Not counted in ClinVar's aggregate classification.